The following is an entry in ClinVar:

NM_000552.5(VWF):c.1547A>T (p.Tyr516Phe)

Gene: VWF (von Willebrand factor; minus strand). Cytogenetic location: 12p13.31.
Variant type: single nucleotide variant.
Coding change: c.1547A>T on transcript NM_000552.5 (MANE Select); coding-DNA position 1547, A replaced by T.
Protein change: p.Tyr516Phe; replaces tyrosine 516 with phenylalanine.
Molecular consequence: missense variant.
Genome position (GRCh38, 1-based): chr12:6,058,031, T>A on the plus strand (A>T on the coding strand, the complement: VWF is on the minus strand). VCF-style: chr12-6058031-T-A. GRCh37 (hg19) VCF-style: chr12-6167197-T-A.
Other names: short protein forms Y516F.
Identifiers: ClinVar variation 3368193 (VCV003368193.2).

ClinVar aggregate classification (germline): Uncertain significance. Review status: criteria provided, multiple submitters, no conflicts (2 of 4 stars). 2 submissions from 2 submitters: Uncertain significance (2). Last evaluated 2025-04-10.

Conditions:
Inborn genetic diseases. Identifiers: MedGen C0950123, MeSH D030342.

gnomAD v4.1: 18 of 1,613,032 alleles (0.0011%); highest among the groups gnomAD compares: Non-Finnish European, 0.0015%; no homozygotes.

Submissions (2):

Ambry Genetics
Classification: Uncertain significance for Inborn genetic diseases. Last evaluated: 2025-04-10. Review status: criteria provided, single submitter. Criteria: Ambry Variant Classification Scheme 2023. Collection method: clinical testing. Allele origin: germline.

GeneDx
Classification: Uncertain significance. Last evaluated: 2024-01-25. Review status: criteria provided, single submitter. Criteria: GeneDx Variant Classification Process June 2021. Collection method: clinical testing. Allele origin: germline. Affected: yes.
Comment: Not observed at significant frequency in large population cohorts (gnomAD); In silico analysis supports that this missense variant does not alter protein structure/function; Has not been previously published as pathogenic or benign to our knowledge